The following is an entry in ClinVar:

NM_001267550.2(TTN):c.64642G>T (p.Asp21548Tyr)

Genes: TTN (titin; minus strand), TTN-AS1 (TTN antisense RNA 1; plus strand). Cytogenetic location: 2q31.2.
Variant type: single nucleotide variant.
Coding change: c.64642G>T on transcript NM_001267550.2 (MANE Select); coding-DNA position 64642, G replaced by T.
Protein change: p.Asp21548Tyr; replaces aspartic acid 21548 with tyrosine.
Molecular consequence: missense variant.
Genome position (GRCh38, 1-based): chr2:178,585,102, C>A on the plus strand (G>T on the coding strand, the complement: TTN is on the minus strand). VCF-style: chr2-178585102-C-A. GRCh37 (hg19) VCF-style: chr2-179449829-C-A.
Other names: c.59719G>T, p.Asp19907Tyr (NM_001256850.1); c.37447G>T, p.Asp12483Tyr (NM_003319.4); c.56938G>T, p.Asp18980Tyr (NM_133378.4); c.37822G>T, p.Asp12608Tyr (NM_133432.3); c.38023G>T, p.Asp12675Tyr (NM_133437.4); short protein forms D19907Y, D21548Y, D12675Y, D18980Y, D12608Y, D12483Y.
Identifiers: ClinVar variation 515659 (VCV000515659.6), dbSNP rs749070255, ClinGen allele CA1991878.
Genomic context (GRCh38, chr2:178,585,102, plus strand): 5'-AGATGGCCATTTGTCTAATACTTAACTTACCCATGACTACAACTTTGATTTTCTGAGTGT[C>A]TGTCCCAGAACTGTTCTCTGCTGTGAGGCTGTAGTAACCACTGTCTTTCCTAGTCACATC-3'
Protein context (NP_001254479.2, residues 21538-21558): SLTAENSSGT[Asp21548Tyr]TQKIKVVVMD

ClinVar aggregate classification (germline): Conflicting classifications of pathogenicity. Review status: criteria provided, conflicting classifications (1 of 4 stars). 3 submissions from 3 submitters: Uncertain significance (1); Likely benign (2). Last evaluated 2022-04-14.

Conditions:
Cardiovascular phenotype. Identifiers: MedGen CN230736.

Allele frequency attached by ClinVar (database versions not stated): gnomAD exomes below 0.00001 and 0.00002; ExAC 0.00001; gnomAD 0.00001; TOPMed 0.00003.
gnomAD v4.1: 23 of 1,606,736 alleles (0.0014%); highest among the groups gnomAD compares: Non-Finnish European, 0.0019%; no homozygotes.

Submissions (3):

Ambry Genetics
Classification: Likely benign for Cardiovascular phenotype. Last evaluated: 2022-04-14. Review status: criteria provided, single submitter. Criteria: Ambry Variant Classification Scheme 2023. Collection method: clinical testing. Allele origin: germline.

Revvity Omics, Revvity
Classification: Uncertain significance. Last evaluated: 2019-08-30. Review status: criteria provided, single submitter. Criteria: ACMG Guidelines, 2015. Collection method: clinical testing. Allele origin: germline.

GeneDx
Classification: Likely benign. Last evaluated: 2018-02-16. Review status: criteria provided, single submitter. Criteria: GeneDx Variant Classification (06012015). Collection method: clinical testing. Allele origin: germline. Affected: yes.
Comment: This variant is considered likely benign or benign based on one or more of the following criteria: it is a conservative change, it occurs at a poorly conserved position in the protein, it is predicted to be benign by multiple in silico algorithms, and/or has population frequency not consistent with disease.